The following is an entry in ClinVar:

NM_002471.4(MYH6):c.437A>G (p.Lys146Arg)

Genes: MYH6 (myosin heavy chain 6; minus strand), LOC114827851 (VISTA enhancer hs2155; plus strand). Cytogenetic location: 14q11.2.
Variant type: single nucleotide variant.
Coding change: c.437A>G on transcript NM_002471.4 (MANE Select); coding-DNA position 437, A replaced by G.
Protein change: p.Lys146Arg; replaces lysine 146 with arginine.
Molecular consequence: missense variant.
Genome position (GRCh38, 1-based): chr14:23,405,288, T>C on the plus strand (A>G on the coding strand, the complement: MYH6 is on the minus strand). VCF-style: chr14-23405288-T-C. GRCh37 (hg19) VCF-style: chr14-23874497-T-C.
Other names: short protein forms K146R.
Identifiers: ClinVar variation 470539 (VCV000470539.12), dbSNP rs1555335081, ClinGen allele CA389030907.

ClinVar aggregate classification (germline): Uncertain significance. Review status: criteria provided, multiple submitters, no conflicts (2 of 4 stars). 3 submissions from 3 submitters: Uncertain significance (3). Last evaluated 2026-05-25.

Conditions:
MYH6-related disorder. Also called: MYH6-Related Disorders; MYH6-related condition.
Cardiovascular phenotype. Identifiers: MedGen CN230736.
Hypertrophic cardiomyopathy 14. Identifiers: MedGen C2750467, MONDO:0013197, OMIM 613251.

Allele frequency attached by ClinVar (database versions not stated): TOPMed below 0.00001; gnomAD exomes 0.00001.
gnomAD v4.1: 10 of 1,614,180 alleles (0.00062%); highest among the groups gnomAD compares: Non-Finnish European, 0.00076%; no homozygotes.

Submissions (3):

PreventionGenetics, part of Exact Sciences
Classification: Uncertain significance for MYH6-related condition. Last evaluated: 2026-05-25. Review status: criteria provided, single submitter. Criteria: ACMG Guidelines, 2015. Collection method: clinical testing. Allele origin: germline.
Comment: The MYH6 c.437A>G variant is predicted to result in the amino acid substitution p.Lys146Arg. To our knowledge, this variant has not been reported in the literature or in a large population database (gnomAD), indicating this variant is rare. At this time, the clinical significance of this variant is uncertain due to the absence of conclusive functional and genetic evidence.

Ambry Genetics
Classification: Uncertain significance for Cardiovascular phenotype. Last evaluated: 2025-08-22. Review status: criteria provided, single submitter. Criteria: Ambry Variant Classification Scheme 2023. Collection method: clinical testing. Allele origin: germline.

Labcorp Genetics (formerly Invitae), Labcorp
Classification: Uncertain significance for Hypertrophic cardiomyopathy 14. Last evaluated: 2024-02-11. Review status: criteria provided, single submitter. Criteria: Invitae Variant Classification Sherloc (09022015). Collection method: clinical testing. Allele origin: germline.
Comment: This sequence change replaces lysine, which is basic and polar, with arginine, which is basic and polar, at codon 146 of the MYH6 protein (p.Lys146Arg). This variant is not present in population databases (gnomAD no frequency). This variant has not been reported in the literature in individuals affected with MYH6-related conditions. ClinVar contains an entry for this variant (Variation ID: 470539). Advanced modeling of protein sequence and biophysical properties (such as structural, functional, and spatial information, amino acid conservation, physicochemical variation, residue mobility, and thermodynamic stability) performed at Invitae indicates that this missense variant is not expected to disrupt MYH6 protein function with a negative predictive value of 80%. In summary, the available evidence is currently insufficient to determine the role of this variant in disease. Therefore, it has been classified as a Variant of Uncertain Significance.